The following is an entry in ClinVar:

ClinVar aggregate classification (germline): Benign. Review status: criteria provided, multiple submitters, no conflicts (2 of 4 stars). 3 submissions from 3 submitters: Benign (2). 1 of the submissions does not count toward it. Last evaluated 2026-01-12.

Conditions:
ASRGL1-related disorder. Also called: ASRGL1-related condition.

Allele frequency attached by ClinVar (database versions not stated): 1000 Genomes Project 30x 0.00125; 1000 Genomes Project 0.00140; ESP Exome Variant Server 0.00300.
gnomAD v4.1: 4,407 of 1,614,200 alleles (0.27%); highest among the groups gnomAD compares: Non-Finnish European, 0.33%; 14 homozygotes.

Submissions (3):

Labcorp Genetics (formerly Invitae), Labcorp
Classification: Benign. Last evaluated: 2026-01-12. Review status: criteria provided, single submitter. Criteria: Invitae Variant Classification Sherloc (09022015). Collection method: clinical testing. Allele origin: germline.

Breakthrough Genomics
Classification: Benign. Review status: criteria provided, single submitter. Criteria: ACMG Guidelines, 2015. Collection method: not provided. Allele origin: germline. Inheritance: Unknown mechanism. Affected: yes.

PreventionGenetics, part of Exact Sciences
Classification: Likely benign for ASRGL1-related condition. Last evaluated: 2019-06-19. Review status: no assertion criteria provided. Collection method: clinical testing. Allele origin: germline. Not counted in ClinVar's aggregate classification.
Comment: This variant is classified as likely benign based on ACMG/AMP sequence variant interpretation guidelines (Richards et al. 2015 PMID: 25741868, with internal and published modifications).

NM_001083926.2(ASRGL1):c.753G>A (p.Ser251=)

Gene: ASRGL1 (asparaginase and isoaspartyl peptidase 1; plus strand). Cytogenetic location: 11q12.3.
Variant type: single nucleotide variant.
Coding change: c.753G>A on transcript NM_001083926.2 (MANE Select); coding-DNA position 753, G replaced by A.
Protein change: p.Ser251=; no amino-acid change (serine 251 retained).
Molecular consequence: synonymous variant.
Genome position (GRCh38, 1-based): chr11:62,392,110, G>A. VCF-style: chr11-62392110-G-A. GRCh37 (hg19) VCF-style: chr11-62159582-G-A.
Other names: c.753G>A (NM_025080.3); c.753G>A, p.Ser251= (NM_025080.4).
Identifiers: ClinVar variation 1168298 (VCV001168298.11), dbSNP rs149188142, ClinGen allele CA6043325.